The following is an entry in ClinVar:

NM_001365276.2(TNXB):c.9638G>A (p.Arg3213Lys)

Gene: TNXB (tenascin XB; minus strand). Cytogenetic location: 6p21.33.
Variant type: single nucleotide variant.
Coding change: c.9638G>A on transcript NM_001365276.2 (MANE Select); coding-DNA position 9638, G replaced by A.
Protein change: p.Arg3213Lys; replaces arginine 3213 with lysine.
Molecular consequence: missense variant.
Genome position (GRCh38, 1-based): chr6:32,049,389, C>T on the plus strand (G>A on the coding strand, the complement: TNXB is on the minus strand). VCF-style: chr6-32049389-C-T. GRCh37 (hg19) VCF-style: chr6-32017166-C-T.
Other names: c.10379G>A, p.Arg3460Lys (NM_001428335.1); c.9632G>A, p.Arg3211Lys (NM_019105.8); short protein forms R3211K, R3213K, R3460K.
Identifiers: ClinVar variation 3227366 (VCV003227366.1), dbSNP rs1777114615, ClinGen allele CA363538526.

ClinVar aggregate classification (germline): Uncertain significance (1 of 4 stars; one submission).

Conditions:
Cardiovascular phenotype. Identifiers: MedGen CN230736.

Submission:

Ambry Genetics
Classification: Uncertain significance for Cardiovascular phenotype. Last evaluated: 2023-10-02. Review status: criteria provided, single submitter. Criteria: Ambry Variant Classification Scheme 2023. Collection method: clinical testing. Allele origin: germline.
Comment: The p.R3211K variant (also known as c.9632G>A), located in coding exon 27 of the TNXB gene, results from a G to A substitution at nucleotide position 9632. The arginine at codon 3211 is replaced by lysine, an amino acid with highly similar properties. This amino acid position is conserved. In addition, this alteration is predicted to be tolerated by in silico analysis. Since supporting evidence is limited at this time, the clinical significance of this alteration remains unclear.